The following is an entry in ClinVar:

NM_001374259.2(IL12RB2):c.714T>C (p.Ser238=)

Gene: IL12RB2 (interleukin 12 receptor subunit beta 2; plus strand). Cytogenetic location: 1p31.3.
Variant type: single nucleotide variant.
Coding change: c.714T>C on transcript NM_001374259.2 (MANE Select); coding-DNA position 714, T replaced by C.
Protein change: p.Ser238=; no amino-acid change (serine 238 retained).
Molecular consequence: synonymous variant. On other transcripts: non-coding transcript variant (2).
Genome position (GRCh38, 1-based): chr1:67,329,636, T>C. VCF-style: chr1-67329636-T-C. GRCh37 (hg19) VCF-style: chr1-67795319-T-C.
Other names: c.714T>C, p.Ser238= (NM_001258214.1, NM_001258215.1, NM_001258216.1 and 2 more transcripts).
Identifiers: ClinVar variation 1169787 (VCV001169787.12), dbSNP rs1495963, ClinGen allele CA900275.

ClinVar aggregate classification (germline): Benign. Review status: criteria provided, multiple submitters, no conflicts (2 of 4 stars). 3 submissions from 3 submitters: Benign (3). Last evaluated 2026-02-04.

Allele frequency attached by ClinVar (database versions not stated): gnomAD 0.90136 and 0.90035; ESP Exome Variant Server 0.91035; TOPMed 0.88686; gnomAD exomes 0.93134 and 0.96805; ExAC 0.93175; 1000 Genomes Project 30x 0.84666; 1000 Genomes Project 0.85024.
gnomAD v4.1: 1,510,450 of 1,572,186 alleles (96%); highest among the groups gnomAD compares: Non-Finnish European, 99%; 728,994 homozygotes.

Submissions (3):

Labcorp Genetics (formerly Invitae), Labcorp
Classification: Benign. Last evaluated: 2026-02-04. Review status: criteria provided, single submitter. Criteria: Invitae Variant Classification Sherloc (09022015). Collection method: clinical testing. Allele origin: germline.

Unidad de Genómica Garrahan, Hospital de Pediatría Garrahan
Classification: Benign. Last evaluated: 2023-11-12. Review status: criteria provided, single submitter. Criteria: ACMG Guidelines, 2015. Collection method: clinical testing. Allele origin: germline. Affected: no. Observed: 95 variant alleles.
Comment: This variant is classified as Benign based on local population frequency. This variant was detected in 99% of patients studied by a panel of primary immunodeficiencies. Number of patients: 95. Only high quality variants are reported.

Breakthrough Genomics
Classification: Benign. Review status: criteria provided, single submitter. Criteria: ACMG Guidelines, 2015. Collection method: not provided. Allele origin: germline. Inheritance: Unknown mechanism. Affected: yes.